The following is an entry in ClinVar:

ClinVar aggregate classification (germline): Benign (0 of 4 stars; one submission).

Conditions:
ZNF512B-related disorder. Also called: ZNF512B-related condition.

Allele frequency attached by ClinVar (database versions not stated): gnomAD exomes 0.00032; ExAC 0.00117; ESP Exome Variant Server 0.00323; gnomAD 0.00340; TOPMed 0.00370; 1000 Genomes Project 0.00399; 1000 Genomes Project 30x 0.00422.

Submission:

PreventionGenetics, part of Exact Sciences
Classification: Benign for ZNF512B-related condition. Last evaluated: 2019-08-20. Review status: no assertion criteria provided. Collection method: clinical testing. Allele origin: germline.
Comment: This variant is classified as benign based on ACMG/AMP sequence variant interpretation guidelines (Richards et al. 2015 PMID: 25741868, with internal and published modifications).

NM_020713.3(ZNF512B):c.1222G>A (p.Ala408Thr)

Gene: ZNF512B (zinc finger protein 512B; minus strand). Cytogenetic location: 20q13.33.
Variant type: single nucleotide variant.
Coding change: c.1222G>A on transcript NM_020713.3 (MANE Select); coding-DNA position 1222, G replaced by A.
Protein change: p.Ala408Thr; replaces alanine 408 with threonine.
Molecular consequence: missense variant.
Genome position (GRCh38, 1-based): chr20:63,964,529, C>T on the plus strand (G>A on the coding strand, the complement: ZNF512B is on the minus strand). VCF-style: chr20-63964529-C-T. GRCh37 (hg19) VCF-style: chr20-62595882-C-T.
Other names: short protein forms A408T.
Identifiers: ClinVar variation 3039413 (VCV003039413.2), dbSNP rs116458703, ClinGen allele CA9971206.